The following is an entry in ClinVar:

ClinVar aggregate classification (germline): Pathogenic (3 of 4 stars; one submission).

Conditions:
X-linked severe combined immunodeficiency (SCIDX1). Also called: IMMUNODEFICIENCY 4; SCID, X-LINKED; SEVERE COMBINED IMMUNODEFICIENCY, X-LINKED, T CELL-NEGATIVE, B CELL-POSITIVE, NK CELL-NEGATIVE; X-Linked Combined Immunodeficiency Diseases; T-B+ severe combined immunodeficiency due to gamma chain deficiency. Identifiers: Orphanet 276, MedGen C6022468, MONDO:0010315, OMIM 300400. Disease mechanism: loss of function.

Submission:

ClinGen Severe Combined Immunodeficiency Variant Curation Expert Panel, ClinGen
Classification: Pathogenic for X-linked severe combined immunodeficiency. Last evaluated: 2024-03-08. Review status: reviewed by expert panel. Criteria: ClinGen SCID ACMG Specifications IL2RG V1.0.0. Collection method: curation. Allele origin: germline. Inheritance: X-linked inheritance.
Comment: The NM_000206.3:c.455-2A>T variant in IL2RG occurs within the canonical splice acceptor site (-2) of intron 3. It is predicted to cause skipping of biologically relevant exon 4 (SpliceAI score 0.59), resulting in a frameshift leading to nonsense-mediated decay in a gene in which loss-of-function is an established disease mechanism (PVS1). The individual had a T-B+NK- lymphocyte profile (CD3+, 504/uL; CD19+, 2867/uL; CD16/56+, 58.3/uL) (PP4). The variant is absent from gnomAD v2.1.1 and gnomAD v4.0 (PM2_Supporting). In summary, this variant meets the criteria to be classified as pathogenic for SCID. ACMG/AMP criteria applied, as specified by the ClinGen SCID-VCEP: PVS1, PP4, PM2_Supporting. (VCEP specifications version 1)

NM_000206.3(IL2RG):c.455-2A>T

Gene: IL2RG (interleukin 2 receptor subunit gamma; minus strand). Cytogenetic location: Xq13.1.
Variant type: single nucleotide variant.
Coding change: c.455-2A>T on transcript NM_000206.3 (MANE Select); the canonical splice acceptor site of the intron before coding-DNA position 455, A replaced by T.
Molecular consequence: splice acceptor variant.
Genome position (GRCh38, 1-based): chrX:71,110,297, T>A on the plus strand (A>T on the coding strand, the complement: IL2RG is on the minus strand). VCF-style: chrX-71110297-T-A. GRCh37 (hg19) VCF-style: chrX-70330147-T-A.
Other names: NM_000206.3:c.455-2A>T.
Identifiers: ClinVar variation 3066454 (VCV003066454.1), dbSNP rs2092260728, ClinGen allele CA413496512.